The following is an entry in ClinVar:

NM_000059.4(BRCA2):c.3791A>G (p.Lys1264Arg)

Gene: BRCA2 (BRCA2 DNA repair associated; plus strand). Cytogenetic location: 13q13.1.
Variant type: single nucleotide variant.
Coding change: c.3791A>G on transcript NM_000059.4 (MANE Select); coding-DNA position 3791, A replaced by G.
Protein change: p.Lys1264Arg; replaces lysine 1264 with arginine.
Molecular consequence: missense variant. On other transcripts: non-coding transcript variant (1), intron variant (2).
Genome position (GRCh38, 1-based): chr13:32,338,146, A>G. VCF-style: chr13-32338146-A-G. GRCh37 (hg19) VCF-style: chr13-32912283-A-G.
Other names: c.3791A>G, p.Lys1264Arg (NM_001406719.1, NM_001406720.1, NM_001432077.1); c.1909+4759A>G (NM_001406721.1); c.425-6412A>G (NM_001406722.1); short protein forms K1264R.
Identifiers: ClinVar variation 3572352 (VCV003572352.1).
Genomic context (GRCh38, chr13:32,338,146, plus strand): 5'-TTGAGAATATTAGTGAGGAAACTTCTGCAGAGGTACATCCAATAAGTTTATCTTCAAGTA[A>G]ATGTCATGATTCTGTTGTTTCAATGTTTAAGATAGAAAATCATAATGATAAAACTGTAAG-3'
Protein context (NP_000050.3, residues 1254-1274): EVHPISLSSS[Lys1264Arg]CHDSVVSMFK

ClinVar aggregate classification (germline): Uncertain significance (1 of 4 stars; one submission).

Submission:

Quest Diagnostics Nichols Institute San Juan Capistrano
Classification: Uncertain significance. Last evaluated: 2024-05-06. Review status: criteria provided, single submitter. Criteria: Quest Diagnostics criteria. Collection method: clinical testing. Allele origin: unknown.
Comment: The BRCA2 c.3791A>G (p.Lys1264Arg) variant has not been reported in individuals with BRCA2-related conditions in the published literature. It also has not been reported in large, multi-ethnic general populations (Genome Aggregation Database). Analysis of this variant using bioinformatics tools for the prediction of the effect of amino acid changes on protein structure and function yielded predictions that this variant is benign. Based on the available information, we are unable to determine the clinical significance of this variant.